The following is an entry in ClinVar:

NM_000038.6(APC):c.876G>C (p.Leu292Phe)

Gene: APC (APC regulator of Wnt signaling pathway; plus strand). Cytogenetic location: 5q22.2.
Variant type: single nucleotide variant.
Coding change: c.876G>C on transcript NM_000038.6 (MANE Select); coding-DNA position 876, G replaced by C.
Protein change: p.Leu292Phe; replaces leucine 292 with phenylalanine.
Molecular consequence: missense variant.
Genome position (GRCh38, 1-based): chr5:112,815,536, G>C. VCF-style: chr5-112815536-G-C. GRCh37 (hg19) VCF-style: chr5-112151233-G-C.
Other names: c.876G>C, p.Leu292Phe (NM_001127510.3, NM_001354895.2, NM_001354896.2 and 1 more transcripts); c.822G>C, p.Leu274Phe (NM_001127511.3); c.906G>C, p.Leu302Phe (NM_001354897.2, NM_001354902.2); c.801G>C, p.Leu267Phe (NM_001354898.2, NM_001354904.2); c.792G>C, p.Leu264Phe (NM_001354899.2); c.699G>C, p.Leu233Phe (NM_001354900.2, NM_001354901.2, NM_001354905.2); c.27G>C, p.Leu9Phe (NM_001354906.2); short protein forms L274F, L292F, L264F, L233F, L267F, L302F, L9F.
Identifiers: ClinVar variation 372035 (VCV000372035.23), dbSNP rs760059672, ClinGen allele CA16023233.

ClinVar aggregate classification (germline): Uncertain significance. Review status: criteria provided, multiple submitters, no conflicts (2 of 4 stars). 7 submissions from 7 submitters: Uncertain significance (5). 2 of the submissions do not count toward it. Last evaluated 2025-11-10.

Conditions:
Familial adenomatous polyposis 1 (FAP1). Also called: POLYPOSIS, ADENOMATOUS INTESTINAL; FAMILIAL ADENOMATOUS POLYPOSIS 1, ATTENUATED. Identifiers: MedGen C2713442, MONDO:0021056, OMIM 175100. Disease mechanism: loss of function.
Gastrointestinal stromal tumor. Also called: Gastrointestinal stromal tumor, somatic; Gastrointestinal stroma tumor. Identifiers: Orphanet 44890, MedGen C0238198, MeSH D046152, MONDO:0011719, OMIM 606764, HP:0100723.
Classic or attenuated familial adenomatous polyposis. Identifiers: MedGen CN372698, MONDO:0021057.
Hereditary cancer-predisposing syndrome. Also called: Neoplastic Syndromes, Hereditary; Hereditary Cancer Syndrome; Hereditary neoplastic syndrome; Tumor predisposition. Identifiers: Orphanet 140162, MedGen C0027672, MeSH D009386, MONDO:0015356.

gnomAD v4.1: 1 of 1,612,416 alleles (0.000062%); highest among the groups gnomAD compares: Non-Finnish European, 0.000085%; no homozygotes.

Submissions (7):

Labcorp Genetics (formerly Invitae), Labcorp
Classification: Uncertain significance for Familial adenomatous polyposis 1. Last evaluated: 2025-11-10. Review status: criteria provided, single submitter. Criteria: Invitae Variant Classification Sherloc (09022015). Collection method: clinical testing. Allele origin: germline.
Comment: This sequence change replaces leucine, which is neutral and non-polar, with phenylalanine, which is neutral and non-polar, at codon 292 of the APC protein (p.Leu292Phe). This variant is not present in population databases (gnomAD no frequency). This missense change has been observed in individual(s) with non-medullary thyroid cancer (PMID: 26530882). ClinVar contains an entry for this variant (Variation ID: 372035). Invitae Evidence Modeling of protein sequence and biophysical properties (such as structural, functional, and spatial information, amino acid conservation, physicochemical variation, residue mobility, and thermodynamic stability) indicates that this missense variant is not expected to disrupt APC protein function with a negative predictive value of 95%. In summary, the available evidence is currently insufficient to determine the role of this variant in disease. Therefore, it has been classified as a Variant of Uncertain Significance.

Ambry Genetics
Classification: Uncertain significance for Hereditary cancer-predisposing syndrome. Last evaluated: 2025-10-17. Review status: criteria provided, single submitter. Criteria: Ambry Variant Classification Scheme 2023. Collection method: clinical testing. Allele origin: germline.
Comment: The p.L292F variant (also known as c.876G>C), located in coding exon 8 of the APC gene, results from a G to C substitution at nucleotide position 876. The leucine at codon 292 is replaced by phenylalanine, an amino acid with highly similar properties. This amino acid position is not well conserved in available vertebrate species. In addition, in silico predictors for this gene do not accurately predict pathogenicity. Missense alterations in APC are not a common cause of disease (Spier I et al. Genet Med. 2024 Feb;26(2):100992). Based on the available evidence, the clinical significance of this variant remains unclear.

All of Us Research Program, National Institutes of Health
Classification: Uncertain significance for Classic or attenuated familial adenomatous polyposis. Last evaluated: 2024-02-22. Review status: criteria provided, single submitter. Criteria: ACMG Guidelines, 2015. Collection method: clinical testing. Allele origin: germline. Inheritance: Autosomal dominant inheritance. Observed: 1 variant allele, 1 heterozygote.
Comment: This missense variant replaces leucine with phenylalanine at codon 292 of the APC protein. Computational prediction suggests that this variant may not impact protein structure and function (internally defined REVEL score threshold <= 0.5, PMID: 27666373). Splice site prediction tools suggest that this variant may not impact RNA splicing. To our knowledge, functional studies have not been performed for this variant. This variant has been reported in an individual affected with familial non-medullary thyroid cancer (PMID: 26530882). This variant has not been identified in the general population by the Genome Aggregation Database (gnomAD). The available evidence is insufficient to determine the role of this variant in disease conclusively. Therefore, this variant is classified as a Variant of Uncertain Significance.

This study involves interpretation of variants in research participants for the purpose of population health screening. Participant phenotype was not available at the time of variant classification. Additional details can be found in publication PMID: 35346344, PMCID: PMC8962531

Color Diagnostics, LLC DBA Color Health
Classification: Uncertain significance for Hereditary cancer-predisposing syndrome. Last evaluated: 2024-01-31. Review status: criteria provided, single submitter. Criteria: ACMG Guidelines, 2015. Collection method: clinical testing. Allele origin: germline.
Comment: This missense variant replaces leucine with phenylalanine at codon 292 of the APC protein. Computational prediction suggests that this variant may not impact protein structure and function (internally defined REVEL score threshold <= 0.5, PMID: 27666373). To our knowledge, functional studies have not been performed for this variant. This variant has been reported in two related individuals affected with familial non-medullary thyroid cancer (PMID: 26530882). This variant has not been identified in the general population by the Genome Aggregation Database (gnomAD). The available evidence is insufficient to determine the role of this variant in disease conclusively. Therefore, this variant is classified as a Variant of Uncertain Significance.

Myriad Genetics, Inc.
Classification: Uncertain significance for Familial adenomatous polyposis 1. Last evaluated: 2023-02-14. Review status: criteria provided, single submitter. Criteria: Myriad Autosomal Dominant, Autosomal Recessive and X-Linked Classification Criteria (2023). Collection method: clinical testing. Allele origin: unknown.
Comment: This variant is classified as a variant of uncertain significance as there is insufficient evidence to determine its impact on protein function and/or cancer risk.

3DMed Clinical Laboratory Inc
Classification: Uncertain significance for Gastrointestinal stroma tumor. Last evaluated: 2017-07-25. Review status: no assertion criteria provided. Criteria: ACMG Guidelines, 2015. Collection method: clinical testing. Allele origin: germline. Affected: yes. Not counted in ClinVar's aggregate classification.

Counsyl
Classification: Uncertain significance for Familial adenomatous polyposis 1. Last evaluated: 2016-10-21. Review status: no assertion criteria provided. Collection method: clinical testing. Allele origin: unknown. Not counted in ClinVar's aggregate classification.

Literature cited by the submitters: PubMed 26530882 (cited by 5 submitters).